The following is an entry in ClinVar:

ClinVar aggregate classification (germline): Uncertain significance. Review status: criteria provided, multiple submitters, no conflicts (2 of 4 stars). 2 submissions from 2 submitters: Uncertain significance (2). Last evaluated 2024-11-08.

Conditions:
Hereditary cancer-predisposing syndrome. Also called: Hereditary Cancer Syndrome; Tumor predisposition; Neoplastic Syndromes, Hereditary; Hereditary neoplastic syndrome. Identifiers: Orphanet 140162, MedGen C0027672, MeSH D009386, MONDO:0015356.
Carney complex, type 1 (CNC1). Also called: CARNEY COMPLEX, TYPE I; CARNEY MYXOMA-ENDOCRINE COMPLEX. Identifiers: Orphanet 1359, MedGen C2607929, MONDO:0008057, OMIM 160980.

Submissions (2):

Ambry Genetics
Classification: Uncertain significance for Hereditary cancer-predisposing syndrome. Last evaluated: 2024-11-08. Review status: criteria provided, single submitter. Criteria: Ambry Variant Classification Scheme 2023. Collection method: clinical testing. Allele origin: germline.
Comment: The c.892-6_892-2delTTATA intronic variant is located 2 nucleotide(s) before coding exon 9 in the PRKAR1A gene. This variant results from a deletion of 5 nucleotides at positions c.892-6 to c.892-2. This variant does not change the sequence of the canonical acceptor at this splice site. This nucleotide region is conserved in available vertebrate species. In silico splice site analysis predicts that this alteration will result in the creation or strengthening of a novel splice acceptor site; however, direct evidence is insufficient at this time (Ambry internal data). Based on the available evidence, the clinical significance of this variant remains unclear.

Labcorp Genetics (formerly Invitae), Labcorp
Classification: Uncertain significance for Carney complex, type 1. Last evaluated: 2023-07-17. Review status: criteria provided, single submitter. Criteria: Invitae Variant Classification Sherloc (09022015). Collection method: clinical testing. Allele origin: germline.
Comment: This sequence change falls in intron 9 of the PRKAR1A gene. It does not directly change the encoded amino acid sequence of the PRKAR1A protein. This variant is not present in population databases (gnomAD no frequency). In summary, the available evidence is currently insufficient to determine the role of this variant in disease. Therefore, it has been classified as a Variant of Uncertain Significance. Algorithms developed to predict the effect of sequence changes on RNA splicing suggest that this variant may create or strengthen a splice site. ClinVar contains an entry for this variant (Variation ID: 1015101). This variant has not been reported in the literature in individuals affected with PRKAR1A-related conditions.

NM_002734.5(PRKAR1A):c.892-6_892-2del

Gene: PRKAR1A (protein kinase cAMP-dependent type I regulatory subunit alpha; plus strand). Cytogenetic location: 17q24.2.
Variant type: Deletion.
Coding change: c.892-6_892-2del on transcript NM_002734.5 (MANE Select); 6 bases into the intron before coding-DNA position 892 through the canonical splice acceptor site of the intron before coding-DNA position 892, 5 bases deleted (TTATA; older notation c.892-6_892-2delTTATA).
Molecular consequence: splice acceptor variant.
Genome position (GRCh38, 1-based): chr17:68,529,914-68,529,918, TTATA deleted; deleting any 5 consecutive bases within chr17:68,529,912-68,529,918 gives the same sequence; the c. name uses the placement nearest the transcript's 3' end. VCF-style (leftmost placement, unchanged base first): chr17-68529911-TTATTA-T. GRCh37 (hg19) VCF-style: chr17-66526052-TTATTA-T.
Other names: c.892-6_892-2del (NM_001278433.2, NM_001369389.1, NM_212471.3 and 4 more transcripts); c.892-6_892-2delTTATA (NM_002734.3).
Identifiers: ClinVar variation 1015101 (VCV001015101.9), dbSNP rs2085916949, ClinGen allele CA2272259014.